The following is an entry in ClinVar:

ClinVar aggregate classification (germline): Uncertain significance. Review status: criteria provided, multiple submitters, no conflicts (2 of 4 stars). 2 submissions from 2 submitters: Uncertain significance (2). Last evaluated 2025-08-30.

Conditions:
Ataxia-telangiectasia-like disorder (ATLD). Identifiers: MedGen C1858391, MONDO:0011457.
Hereditary cancer-predisposing syndrome. Also called: Neoplastic Syndromes, Hereditary; Tumor predisposition; Hereditary Cancer Syndrome; Hereditary neoplastic syndrome. Identifiers: Orphanet 140162, MedGen C0027672, MeSH D009386, MONDO:0015356.

Allele frequency attached by ClinVar (database versions not stated): gnomAD exomes below 0.00001.
gnomAD v4.1: 1 of 1,613,864 alleles (0.000062%); highest among the groups gnomAD compares: Non-Finnish European, 0.000085%; no homozygotes.

Submissions (2):

Ambry Genetics
Classification: Uncertain significance for Hereditary cancer-predisposing syndrome. Last evaluated: 2025-08-30. Review status: criteria provided, single submitter. Criteria: Ambry Variant Classification Scheme 2023. Collection method: clinical testing. Allele origin: germline.
Comment: The p.Q679E variant (also known as c.2035C>G), located in coding exon 18 of the MRE11A gene, results from a C to G substitution at nucleotide position 2035. The glutamine at codon 679 is replaced by glutamic acid, an amino acid with highly similar properties. This amino acid position is well conserved in available vertebrate species. In addition, this alteration is predicted to be tolerated by in silico analysis. Since supporting evidence is limited at this time, the clinical significance of this alteration remains unclear.

Labcorp Genetics (formerly Invitae), Labcorp
Classification: Uncertain significance for Ataxia-telangiectasia-like disorder. Last evaluated: 2022-12-24. Review status: criteria provided, single submitter. Criteria: Invitae Variant Classification Sherloc (09022015). Collection method: clinical testing. Allele origin: germline.
Comment: This sequence change replaces glutamine, which is neutral and polar, with glutamic acid, which is acidic and polar, at codon 679 of the MRE11 protein (p.Gln679Glu). This variant is not present in population databases (gnomAD no frequency). This variant has not been reported in the literature in individuals affected with MRE11-related conditions. ClinVar contains an entry for this variant (Variation ID: 820531). Algorithms developed to predict the effect of missense changes on protein structure and function (SIFT, PolyPhen-2, Align-GVGD) all suggest that this variant is likely to be tolerated. In summary, the available evidence is currently insufficient to determine the role of this variant in disease. Therefore, it has been classified as a Variant of Uncertain Significance.

NM_005591.4(MRE11):c.2035C>G (p.Gln679Glu)

Gene: MRE11 (MRE11 double strand break repair nuclease; minus strand). Cytogenetic location: 11q21.
Variant type: single nucleotide variant.
Coding change: c.2035C>G on transcript NM_005591.4 (MANE Select); coding-DNA position 2035, C replaced by G.
Protein change: p.Gln679Glu; replaces glutamine 679 with glutamic acid.
Molecular consequence: missense variant.
Genome position (GRCh38, 1-based): chr11:94,429,946, G>C on the plus strand (C>G on the coding strand, the complement: MRE11 is on the minus strand). VCF-style: chr11-94429946-G-C. GRCh37 (hg19) VCF-style: chr11-94163112-G-C.
Other names: c.2032C>G, p.Gln678Glu (NM_001330347.2); c.1951C>G, p.Gln651Glu (NM_005590.4); short protein forms Q679E, Q651E, Q678E.
Identifiers: ClinVar variation 820531 (VCV000820531.13), dbSNP rs1332059826, ClinGen allele CA382373499.